The following is an entry in ClinVar:

ClinVar aggregate classification (germline): Benign (1 of 4 stars; one submission).

Submission:

Mayo Clinic Laboratories, Mayo Clinic
Classification: Benign. Last evaluated: 2025-08-08. Review status: criteria provided, single submitter. Criteria: ACMG Guidelines, 2015. Collection method: clinical testing. Allele origin: germline. Observed: 1 variant allele.
Comment: BS1, BS2

NM_031372.4(HNRNPDL):c.-10G>A

Gene: HNRNPDL (heterogeneous nuclear ribonucleoprotein D like; minus strand). Cytogenetic location: 4q21.22.
Variant type: single nucleotide variant.
Coding change: c.-10G>A on transcript NM_031372.4 (MANE Select); 10 bases upstream of the start codon, G replaced by A.
Molecular consequence: 5 prime UTR variant. On other transcripts: non-coding transcript variant (1).
Genome position (GRCh38, 1-based): chr4:82,429,700, C>T on the plus strand (G>A on the coding strand, the complement: HNRNPDL is on the minus strand). VCF-style: chr4-82429700-C-T. GRCh37 (hg19) VCF-style: chr4-83350853-C-T.
Other names: c.-10G>A (NM_001207000.1).
Identifiers: ClinVar variation 4684791 (VCV004684791.1).